The following is an entry in ClinVar:

ClinVar aggregate classification (germline): Uncertain significance (1 of 4 stars; one submission).

Submission:

CeGaT Center for Human Genetics Tuebingen
Classification: Uncertain significance. Last evaluated: 2024-09-01. Review status: criteria provided, single submitter. Criteria: CeGaT Center For Human Genetics Tuebingen Variant Classification Criteria Version 2. Collection method: clinical testing. Allele origin: germline. Affected: yes. Observed: 1 variant allele.
Comment: KCNC3: PM2

NM_004977.3(KCNC3):c.*1140G>A

Gene: KCNC3 (potassium voltage-gated channel subfamily C member 3; minus strand). Cytogenetic location: 19q13.33.
Variant type: single nucleotide variant.
Coding change: c.*1140G>A on transcript NM_004977.3 (MANE Select); 1140 bases downstream of the stop codon, G replaced by A.
Molecular consequence: 3 prime UTR variant. On other transcripts: non-coding transcript variant (1).
Genome position (GRCh38, 1-based): chr19:50,314,975, C>T on the plus strand (G>A on the coding strand, the complement: KCNC3 is on the minus strand). VCF-style: chr19-50314975-C-T. GRCh37 (hg19) VCF-style: chr19-50818232-C-T.
Other names: c.*1140G>A (NM_001372305.1).
Identifiers: ClinVar variation 3389395 (VCV003389395.14).